The following is an entry in ClinVar:

NM_000179.3(MSH6):c.3857T>C (p.Leu1286Pro)

Gene: MSH6 (mutS homolog 6; plus strand). Cytogenetic location: 2p16.3.
Variant type: single nucleotide variant.
Coding change: c.3857T>C on transcript NM_000179.3 (MANE Select); coding-DNA position 3857, T replaced by C.
Protein change: p.Leu1286Pro; replaces leucine 1286 with proline.
Molecular consequence: missense variant.
Genome position (GRCh38, 1-based): chr2:47,806,507, T>C. VCF-style: chr2-47806507-T-C. GRCh37 (hg19) VCF-style: chr2-48033646-T-C.
Other names: c.3467T>C, p.Leu1156Pro (NM_001281492.2); c.2951T>C, p.Leu984Pro (NM_001281493.2, NM_001281494.2); short protein forms L1286P, L1156P, L984P.
Identifiers: ClinVar variation 232471 (VCV000232471.11), dbSNP rs754443325, ClinGen allele CA072238.
Genomic context (GRCh38, chr2:47,806,507, plus strand): 5'-TTAAGGCATGCATGGTAGAAAATGAATGTGAAGACCCCAGCCAGGAGACTATTACGTTCC[T>C]CTATAAATTCATTAAGGGAGCTTGTCCTAAAAGCTATGGCTTTAATGCAGCAAGGCTTGC-3'
Protein context (NP_000170.1, residues 1276-1296): EDPSQETITF[Leu1286Pro]YKFIKGACPK

ClinVar aggregate classification (germline): Uncertain significance. Review status: criteria provided, multiple submitters, no conflicts (2 of 4 stars). 3 submissions from 3 submitters: Uncertain significance (3). Last evaluated 2024-05-14.

Conditions:
Hereditary nonpolyposis colorectal neoplasms. Identifiers: MedGen C0009405, MeSH D003123.
Hereditary cancer-predisposing syndrome. Also called: Neoplastic Syndromes, Hereditary; Tumor predisposition; Hereditary Cancer Syndrome; Hereditary neoplastic syndrome. Identifiers: Orphanet 140162, MedGen C0027672, MeSH D009386, MONDO:0015356.
Lynch syndrome. Identifiers: Orphanet 144, MedGen C4552100, MONDO:0005835. Disease mechanism: loss of function.

Allele frequency attached by ClinVar (database versions not stated): gnomAD exomes below 0.00001 and 0.00001; ExAC 0.00002.
gnomAD v4.1: 2 of 1,614,080 alleles (0.00012%); highest among the groups gnomAD compares: Non-Finnish European, 0.000085%; no homozygotes.

Submissions (3):

All of Us Research Program, National Institutes of Health
Classification: Uncertain significance for Lynch syndrome. Last evaluated: 2024-05-14. Review status: criteria provided, single submitter. Criteria: ACMG Guidelines, 2015. Collection method: clinical testing. Allele origin: germline. Inheritance: Autosomal dominant inheritance. Observed: 1 variant allele, 1 heterozygote.
Comment: This missense variant replaces leucine with proline at codon 1286 of the MSH6 protein. Computational prediction suggests that this variant may have deleterious impact on protein structure and function (internally defined REVEL score threshold >= 0.7, PMID: 27666373). To our knowledge, functional studies have not been reported for this variant. This variant has not been reported in individuals affected with MSH6-related disorders in the literature. This variant has been identified in 2/250774 chromosomes in the general population by the Genome Aggregation Database (gnomAD). The available evidence is insufficient to determine the role of this variant in disease conclusively. Therefore, this variant is classified as a Variant of Uncertain Significance.

This study involves interpretation of variants in research participants for the purpose of population health screening. Participant phenotype was not available at the time of variant classification. Additional details can be found in publication PMID: 35346344, PMCID: PMC8962531

Labcorp Genetics (formerly Invitae), Labcorp
Classification: Uncertain significance for Hereditary nonpolyposis colorectal neoplasms. Last evaluated: 2023-06-09. Review status: criteria provided, single submitter. Criteria: Invitae Variant Classification Sherloc (09022015). Collection method: clinical testing. Allele origin: germline.
Comment: This variant is present in population databases (rs754443325, gnomAD 0.002%). This variant has not been reported in the literature in individuals affected with MSH6-related conditions. ClinVar contains an entry for this variant (Variation ID: 232471). This sequence change replaces leucine, which is neutral and non-polar, with proline, which is neutral and non-polar, at codon 1286 of the MSH6 protein (p.Leu1286Pro). Advanced modeling of protein sequence and biophysical properties (such as structural, functional, and spatial information, amino acid conservation, physicochemical variation, residue mobility, and thermodynamic stability) performed at Invitae indicates that this missense variant is expected to disrupt MSH6 protein function. In summary, the available evidence is currently insufficient to determine the role of this variant in disease. Therefore, it has been classified as a Variant of Uncertain Significance.

Ambry Genetics
Classification: Uncertain significance for Hereditary cancer-predisposing syndrome. Last evaluated: 2020-11-21. Review status: criteria provided, single submitter. Criteria: Ambry Variant Classification Scheme 2023. Collection method: clinical testing. Allele origin: germline.
Comment: The p.L1286P variant (also known as c.3857T>C), located in coding exon 9 of the MSH6 gene, results from a T to C substitution at nucleotide position 3857. The leucine at codon 1286 is replaced by proline, an amino acid with similar properties. This amino acid position is highly conserved in available vertebrate species. In addition, this alteration is predicted to be deleterious by in silico analysis. Since supporting evidence is limited at this time, the clinical significance of this alteration remains unclear.